The following is an entry in ClinVar:

ClinVar aggregate classification (germline): Pathogenic/Likely pathogenic. Review status: criteria provided, multiple submitters, no conflicts (2 of 4 stars). 3 submissions from 3 submitters: Pathogenic (1); Likely pathogenic (2). Last evaluated 2024-05-21.

Conditions:
Fabry disease. Also called: CERAMIDE TRIHEXOSIDASE DEFICIENCY; GLA DEFICIENCY; HEREDITARY DYSTOPIC LIPIDOSIS; Fabry's disease; ALPHA-GALACTOSIDASE A DEFICIENCY; ANDERSON-FABRY DISEASE. Identifiers: Orphanet 324, MedGen C0002986, MONDO:0010526, OMIM 301500, HP:0001071. Disease mechanism: Fabry disease is due to inactivating mutations in the X-linked GLA gene resulting in deficiency of the enzyme Alpha Galactosidase-A., loss of function.

Submissions (3):

Labcorp Genetics (formerly Invitae), Labcorp
Classification: Pathogenic for Fabry disease. Last evaluated: 2024-05-21. Review status: criteria provided, single submitter. Criteria: Invitae Variant Classification Sherloc (09022015). Collection method: clinical testing. Allele origin: germline.
Comment: This sequence change creates a premature translational stop signal (p.Cys52Leufs*4) in the GLA gene. It is expected to result in an absent or disrupted protein product. Loss-of-function variants in GLA are known to be pathogenic (PMID: 10666480, 12175777). This variant is not present in population databases (gnomAD no frequency). This variant has not been reported in the literature in individuals affected with GLA-related conditions. ClinVar contains an entry for this variant (Variation ID: 1723331). For these reasons, this variant has been classified as Pathogenic.

Revvity Omics, Revvity
Classification: Likely pathogenic. Last evaluated: 2024-05-21. Review status: criteria provided, single submitter. Criteria: ACMG Guidelines, 2015. Collection method: clinical testing. Allele origin: germline.

Women's Health and Genetics/Laboratory Corporation of America, LabCorp
Classification: Likely pathogenic for Fabry disease. Last evaluated: 2022-10-18. Review status: criteria provided, single submitter. Criteria: LabCorp Variant Classification Summary - May 2015. Collection method: clinical testing. Allele origin: germline.
Comment: Variant summary: GLA c.154dupT (p.Cys52LeufsX4) results in a premature termination codon, predicted to cause a truncation of the encoded protein or absence of the protein due to nonsense mediated decay, which are commonly known mechanisms for disease. Truncations downstream of this position have been classified as pathogenic by our laboratory and associated with Fabry disease in HGMD. The variant was absent in 183425 control chromosomes. To our knowledge, no occurrence of c.154dupT in individuals affected with Fabry Disease and no experimental evidence demonstrating its impact on protein function have been reported. No clinical diagnostic laboratories have submitted clinical-significance assessments for this variant to ClinVar after 2014. Based on the evidence outlined above, the variant was classified as likely pathogenic.

Literature cited by the submitters: PubMed 10666480 (cited by Labcorp Genetics (formerly Invitae), Labcorp); PubMed 12175777 (cited by Labcorp Genetics (formerly Invitae), Labcorp).

NM_000169.3(GLA):c.154dup (p.Cys52fs)

Genes: GLA (galactosidase alpha; minus strand), RPL36A-HNRNPH2 (RPL36A-HNRNPH2 readthrough; plus strand). Cytogenetic location: Xq22.1.
Variant type: Duplication.
Coding change: c.154dup on transcript NM_000169.3 (MANE Select); coding-DNA position 154, one base duplicated (T; older notation c.154dupT).
Protein change: p.Cys52fs; shifts the reading frame from cysteine 52.
Molecular consequence: frameshift variant. On other transcripts: non-coding transcript variant (3), intron variant (2).
Genome position (GRCh38, 1-based): chrX:101,407,750, A duplicated on the plus strand (T on the coding strand, the reverse complement: GLA is on the minus strand). VCF-style (leftmost placement, unchanged base first): chrX-101407749-C-CA. GRCh37 (hg19) VCF-style: chrX-100662737-C-CA.
Other names: c.154dupT (NM_000169.2); c.154dup, p.Cys52fs (NM_001406747.1, NM_001406748.1, NM_001406749.1); c.301-4186dup (NM_001199973.2); c.178-4186dup (NM_001199974.2); short protein forms C52fs.
Identifiers: ClinVar variation 1723331 (VCV001723331.6), dbSNP rs2520943549, ClinGen allele CA2580100107.